The following is an entry in ClinVar:

ClinVar aggregate classification (germline): Uncertain significance (1 of 4 stars; one submission).

gnomAD v4.1: 1 of 1,611,598 alleles (0.000062%); no homozygotes.

Submission:

Labcorp Genetics (formerly Invitae), Labcorp
Classification: Uncertain significance. Last evaluated: 2023-11-11. Review status: criteria provided, single submitter. Criteria: Invitae Variant Classification Sherloc (09022015). Collection method: clinical testing. Allele origin: germline.
Comment: This sequence change replaces serine, which is neutral and polar, with threonine, which is neutral and polar, at codon 740 of the ALPK3 protein (p.Ser740Thr). This variant is not present in population databases (gnomAD no frequency). This variant has not been reported in the literature in individuals affected with ALPK3-related conditions. An algorithm developed to predict the effect of missense changes on protein structure and function (PolyPhen-2) suggests that this variant is likely to be disruptive. In summary, the available evidence is currently insufficient to determine the role of this variant in disease. Therefore, it has been classified as a Variant of Uncertain Significance.

NM_020778.5(ALPK3):c.1613G>C (p.Ser538Thr)

Genes: ALPK3 (alpha kinase 3; plus strand), LOC111718493 (skeletal muscle cis-regulatory module overlapping ALPK3; plus strand). Cytogenetic location: 15q25.3.
Variant type: single nucleotide variant.
Coding change: c.1613G>C on transcript NM_020778.5 (MANE Select); coding-DNA position 1613, G replaced by C.
Protein change: p.Ser538Thr; replaces serine 538 with threonine.
Molecular consequence: missense variant.
Genome position (GRCh38, 1-based): chr15:84,840,892, G>C. VCF-style: chr15-84840892-G-C. GRCh37 (hg19) VCF-style: chr15-85384123-G-C.
Other names: short protein forms S538T.
Identifiers: ClinVar variation 2984911 (VCV002984911.3), dbSNP rs2505707033, ClinGen allele CA393376117.
Genomic context (GRCh38, chr15:84,840,892, plus strand): 5'-CTCAGGCCTCTGTGCAGGTGCCGACGCCCCCTGCCCGGCGGAGACATGGCACCCGGGACA[G>C]CACGTTGCAGGGGCAAGCAGGCCACAGGACTCCAGGAGAGGTAAGTGTGGGTGTTGGGTG-3'
Protein context (NP_065829.4, residues 528-548): PARRRHGTRD[Ser538Thr]TLQGQAGHRT